The following is an entry in ClinVar:

ClinVar aggregate classification (germline): Uncertain significance. Review status: criteria provided, multiple submitters, no conflicts (2 of 4 stars). 2 submissions from 2 submitters: Uncertain significance (2). Last evaluated 2025-10-30.

gnomAD v4.1: 2 of 1,613,998 alleles (0.00012%); highest among the groups gnomAD compares: Admixed American, 0.0017%; no homozygotes.

Submissions (2):

Ambry Genetics
Classification: Uncertain significance. Last evaluated: 2025-10-30. Review status: criteria provided, single submitter. Criteria: Ambry Variant Classification Scheme 2023. Collection method: clinical testing. Allele origin: germline.

Labcorp Genetics (formerly Invitae), Labcorp
Classification: Uncertain significance. Last evaluated: 2025-05-18. Review status: criteria provided, single submitter. Criteria: Invitae Variant Classification Sherloc (09022015). Collection method: clinical testing. Allele origin: germline.
Comment: This sequence change replaces alanine, which is neutral and non-polar, with proline, which is neutral and non-polar, at codon 22 of the RFWD3 protein (p.Ala22Pro). This variant is not present in population databases (gnomAD no frequency). This variant has not been reported in the literature in individuals affected with RFWD3-related conditions. An algorithm developed to predict the effect of missense changes on protein structure and function outputs the following: PolyPhen-2: "Benign". The proline amino acid residue is found in multiple mammalian species, which suggests that this missense change does not adversely affect protein function. In summary, the available evidence is currently insufficient to determine the role of this variant in disease. Therefore, it has been classified as a Variant of Uncertain Significance.

NM_018124.4(RFWD3):c.64G>C (p.Ala22Pro)

Gene: RFWD3 (ring finger and WD repeat domain 3; minus strand). Cytogenetic location: 16q23.1.
Variant type: single nucleotide variant.
Coding change: c.64G>C on transcript NM_018124.4 (MANE Select); coding-DNA position 64, G replaced by C.
Protein change: p.Ala22Pro; replaces alanine 22 with proline.
Molecular consequence: missense variant. On other transcripts: 5 prime UTR variant (4), intron variant (1).
Genome position (GRCh38, 1-based): chr16:74,661,386, C>G on the plus strand (G>C on the coding strand, the complement: RFWD3 is on the minus strand). VCF-style: chr16-74661386-C-G. GRCh37 (hg19) VCF-style: chr16-74695284-C-G.
Other names: c.64G>C, p.Ala22Pro (NM_001370536.1, NM_001370534.1, NM_001370535.1); c.-945G>C (NM_001370537.1); c.-568G>C (NM_001370539.1); c.-822G>C (NM_001370542.1); c.-700G>C (NM_001370543.1); c.-317+3238G>C (NM_001370540.1); short protein forms A22P.
Identifiers: ClinVar variation 4577326 (VCV004577326.2).